The following is an entry in ClinVar:

ClinVar aggregate classification (germline): Uncertain significance (1 of 4 stars; one submission).

Conditions:
Hereditary cancer-predisposing syndrome. Also called: Neoplastic Syndromes, Hereditary; Tumor predisposition; Hereditary Cancer Syndrome; Hereditary neoplastic syndrome. Identifiers: Orphanet 140162, MedGen C0027672, MeSH D009386, MONDO:0015356.

Submission:

Ambry Genetics
Classification: Uncertain significance for Hereditary cancer-predisposing syndrome. Last evaluated: 2026-05-21. Review status: criteria provided, single submitter. Criteria: Ambry Variant Classification Scheme 2023. Collection method: clinical testing. Allele origin: germline.
Comment: The p.D1219E variant (also known as c.3657T>G), located in coding exon 22 of the PTCH1 gene, results from a T to G substitution at nucleotide position 3657. The aspartic acid at codon 1219 is replaced by glutamic acid, an amino acid with highly similar properties. This amino acid position is conserved. In addition, the in silico prediction for this alteration is inconclusive. Based on the available evidence, the clinical significance of this variant remains unclear.

NM_000264.5(PTCH1):c.3657T>G (p.Asp1219Glu)

Gene: PTCH1 (patched 1; minus strand). Cytogenetic location: 9q22.32.
Variant type: single nucleotide variant.
Coding change: c.3657T>G on transcript NM_000264.5 (MANE Select); coding-DNA position 3657, T replaced by G.
Protein change: p.Asp1219Glu; replaces aspartic acid 1219 with glutamic acid.
Molecular consequence: missense variant. On other transcripts: non-coding transcript variant (1).
Genome position (GRCh38, 1-based): chr9:95,449,216, A>C on the plus strand (T>G on the coding strand, the complement: PTCH1 is on the minus strand). VCF-style: chr9-95449216-A-C. GRCh37 (hg19) VCF-style: chr9-98211498-A-C.
Other names: c.3459T>G, p.Asp1153Glu (NM_001083602.3); c.3654T>G, p.Asp1218Glu (NM_001083603.3); c.3204T>G, p.Asp1068Glu (NM_001083604.3, NM_001083605.3, NM_001083606.3 and 1 more transcripts); c.3501T>G, p.Asp1167Glu (NM_001354918.2); short protein forms D1068E, D1153E, D1167E, D1218E, D1219E.
Identifiers: ClinVar variation 4862698 (VCV004862698.1).